The following is an entry in ClinVar:

ClinVar aggregate classification (germline): Benign (0 of 4 stars; one submission).

Conditions:
ATP2A3-related disorder. Also called: ATP2A3-related condition.

Allele frequency attached by ClinVar (database versions not stated): gnomAD exomes 0.19597; ExAC 0.22216; gnomAD 0.29141; 1000 Genomes Project 0.30651; TOPMed 0.30920; 1000 Genomes Project 30x 0.31558.

Submission:

PreventionGenetics, part of Exact Sciences
Classification: Benign for ATP2A3-related condition. Last evaluated: 2019-10-31. Review status: no assertion criteria provided. Collection method: clinical testing. Allele origin: germline.
Comment: This variant is classified as benign based on ACMG/AMP sequence variant interpretation guidelines (Richards et al. 2015 PMID: 25741868, with internal and published modifications).

NM_005173.4(ATP2A3):c.15T>C (p.His5=)

Genes: ATP2A3 (ATPase sarcoplasmic/endoplasmic reticulum Ca2+ transporting 3; minus strand), LOC130060006 (ATAC-STARR-seq lymphoblastoid silent region 8027; plus strand). Cytogenetic location: 17p13.2.
Variant type: single nucleotide variant.
Coding change: c.15T>C on transcript NM_005173.4 (MANE Select); coding-DNA position 15, T replaced by C.
Protein change: p.His5=; no amino-acid change (histidine 5 retained).
Molecular consequence: synonymous variant.
Genome position (GRCh38, 1-based): chr17:3,964,277, A>G on the plus strand (T>C on the coding strand, the complement: ATP2A3 is on the minus strand). VCF-style: chr17-3964277-A-G. GRCh37 (hg19) VCF-style: chr17-3867571-A-G.
Other names: c.15T>C, p.His5= (NM_174953.3, NM_174954.3, NM_174955.3 and 3 more transcripts).
Identifiers: ClinVar variation 3059913 (VCV003059913.2), dbSNP rs887384, ClinGen allele CA8297766.